The following is an entry in ClinVar:

ClinVar aggregate classification (germline): Uncertain significance. Review status: criteria provided, multiple submitters, no conflicts (2 of 4 stars). 4 submissions from 4 submitters: Uncertain significance (4). Last evaluated 2026-07-07.

Conditions:
Familial hypobetalipoproteinemia 1. Also called: APOB-Related Familial Hypobetalipoproteinemia; Hypobetalipoproteinemia, normotriglyceridemic; Acanthocytosis with hypobetalipoproteinemia. Identifiers: MedGen C4551990, MONDO:0014252, OMIM 615558.
Hypercholesterolemia, autosomal dominant, type B (FHCL2). Also called: Hyperlipoproteinemia Type IIb; Familial Hypercholesterolemia Type B; APOLIPOPROTEIN B-100, FAMILIAL DEFECTIVE; APOLIPOPROTEIN B-100, FAMILIAL LIGAND-DEFECTIVE; HYPERCHOLESTEROLEMIA, FAMILIAL, DUE TO LIGAND-DEFECTIVE APOLIPOPROTEIN B; Familial hypercholesterolemia 2. Identifiers: MedGen C1704417, MONDO:0007751, OMIM 144010.
Cardiovascular phenotype. Identifiers: MedGen CN230736.

Allele frequency attached by ClinVar (database versions not stated): gnomAD exomes below 0.00001.
gnomAD v4.1: 2 of 1,614,070 alleles (0.00012%); highest among the groups gnomAD compares: Non-Finnish European, 0.00017%; no homozygotes.

Submissions (4):

Ambry Genetics
Classification: Uncertain significance for Cardiovascular phenotype. Last evaluated: 2026-07-07. Review status: criteria provided, single submitter. Criteria: Ambry Variant Classification Scheme 2023. Collection method: clinical testing. Allele origin: germline.
Comment: The p.T3487I variant (also known as c.10460C>T), located in coding exon 26 of the APOB gene, results from a C to T substitution at nucleotide position 10460. The threonine at codon 3487 is replaced by isoleucine, an amino acid with similar properties. This amino acid position is conserved. In addition, the in silico prediction for this alteration is inconclusive. Based on the available evidence, the clinical significance of this variant remains unclear.

Labcorp Genetics (formerly Invitae), Labcorp
Classification: Uncertain significance for Familial hypobetalipoproteinemia 1; Hypercholesterolemia, autosomal dominant, type B. Last evaluated: 2026-01-15. Review status: criteria provided, single submitter. Criteria: Invitae Variant Classification Sherloc (09022015). Collection method: clinical testing. Allele origin: germline.
Comment: This sequence change replaces threonine, which is neutral and polar, with isoleucine, which is neutral and non-polar, at codon 3487 of the APOB protein (p.Thr3487Ile). This variant is present in population databases (rs369574095, gnomAD 0.0009%). This variant has not been reported in the literature in individuals affected with APOB-related conditions. ClinVar contains an entry for this variant (Variation ID: 2502181). Invitae Evidence Modeling of protein sequence and biophysical properties (such as structural, functional, and spatial information, amino acid conservation, physicochemical variation, residue mobility, and thermodynamic stability) indicates that this missense variant is not expected to disrupt APOB protein function with a negative predictive value of 95%. In summary, the available evidence is currently insufficient to determine the role of this variant in disease. Therefore, it has been classified as a Variant of Uncertain Significance.

GeneDx
Classification: Uncertain significance. Last evaluated: 2025-07-22. Review status: criteria provided, single submitter. Criteria: GeneDx Variant Classification Process June 2021. Collection method: clinical testing. Allele origin: germline. Affected: yes.
Comment: Not observed at significant frequency in large population cohorts (gnomAD); In silico analysis supports that this missense variant has a deleterious effect on protein structure/function; Has not been previously published as pathogenic or benign to our knowledge

New York Genome Center
Classification: Uncertain significance for Familial hypobetalipoproteinemia 1; Hypercholesterolemia, autosomal dominant, type B. Last evaluated: 2022-06-15. Review status: criteria provided, single submitter. Criteria: NYGC Assertion Criteria 2020. Collection method: clinical testing. Allele origin: germline. Observed: 1 variant allele.
Comment: The c.10460C>T p.(Thr3487Ile) variant identified in the APOB gene is predicted to result in the substitution of a Threonine for Isoleucine at amino acid 3487/4564 (exon 26/29). This variant is found with low frequency in population databases gnomAD, BRAVO-TOPMed Freeze 8, All of Us (allele frequency=3.99e-6) suggesting it is not a common benign variant in the populations represented in those databases. In silico algorithms do not predict a damaging effect to the function of the canonical protein (REVEL=0.453). This variant is absent from ClinVar and to our current knowledge has not been reported in affected individuals in the literature. Given the lack of compelling evidence for its pathogenicity, the c.10460C>T p.(Thr3487Ile) variant identified in the APOB gene is reported as a Variant of Uncertain Significance.

NM_000384.3(APOB):c.10460C>T (p.Thr3487Ile)

Gene: APOB (apolipoprotein B; minus strand). Cytogenetic location: 2p24.1.
Variant type: single nucleotide variant.
Coding change: c.10460C>T on transcript NM_000384.3 (MANE Select); coding-DNA position 10460, C replaced by T.
Protein change: p.Thr3487Ile; replaces threonine 3487 with isoleucine.
Molecular consequence: missense variant.
Genome position (GRCh38, 1-based): chr2:21,006,408, G>A on the plus strand (C>T on the coding strand, the complement: APOB is on the minus strand). VCF-style: chr2-21006408-G-A. GRCh37 (hg19) VCF-style: chr2-21229280-G-A.
Other names: short protein forms T3487I.
Identifiers: ClinVar variation 2502181 (VCV002502181.5), dbSNP rs369574095, ClinGen allele CA043572.